The following is an entry in ClinVar:

NM_014314.4(RIGI):c.2600A>G (p.Gln867Arg)

Gene: RIGI (RNA sensor RIG-I; minus strand). Cytogenetic location: 9p21.1.
Variant type: single nucleotide variant.
Coding change: c.2600A>G on transcript NM_014314.4 (MANE Select); coding-DNA position 2600, A replaced by G.
Protein change: p.Gln867Arg; replaces glutamine 867 with arginine.
Molecular consequence: missense variant.
Genome position (GRCh38, 1-based): chr9:32,457,300, T>C on the plus strand (A>G on the coding strand, the complement: RIGI is on the minus strand). VCF-style: chr9-32457300-T-C. GRCh37 (hg19) VCF-style: chr9-32457298-T-C.
Other names: c.2594A>G, p.Gln865Arg (NM_001385907.1); c.2429A>G, p.Gln810Arg (NM_001385909.1); c.2159A>G, p.Gln720Arg (NM_001385910.1); c.1991A>G, p.Gln664Arg (NM_001385912.1); c.2585A>G, p.Gln862Arg (NM_001385913.1); c.2156A>G, p.Gln719Arg (NM_001385914.1); short protein forms Q664R, Q719R, Q720R, Q810R, Q862R, Q865R, Q867R.
Identifiers: ClinVar variation 4810195 (VCV004810195.1).

ClinVar aggregate classification (germline): Uncertain significance (1 of 4 stars; one submission).

gnomAD v4.1: 2 of 1,614,210 alleles (0.00012%); highest among the groups gnomAD compares: Non-Finnish European, 0.00017%; no homozygotes.

Submission:

Labcorp Genetics (formerly Invitae), Labcorp
Classification: Uncertain significance. Last evaluated: 2025-05-08. Review status: criteria provided, single submitter. Criteria: Invitae Variant Classification Sherloc (09022015). Collection method: clinical testing. Allele origin: germline.
Comment: This sequence change replaces glutamine, which is neutral and polar, with arginine, which is basic and polar, at codon 867 of the DDX58 protein (p.Gln867Arg). This variant is not present in population databases (gnomAD no frequency). This variant has not been reported in the literature in individuals affected with DDX58-related conditions. Invitae Evidence Modeling of protein sequence and biophysical properties (such as structural, functional, and spatial information, amino acid conservation, physicochemical variation, residue mobility, and thermodynamic stability) indicates that this missense variant is not expected to disrupt DDX58 protein function with a negative predictive value of 80%. In summary, the available evidence is currently insufficient to determine the role of this variant in disease. Therefore, it has been classified as a Variant of Uncertain Significance.